The following is an entry in ClinVar:

NM_015662.3(IFT172):c.1156C>T (p.Arg386Trp)

Gene: IFT172 (intraflagellar transport 172; minus strand). Cytogenetic location: 2p23.3.
Variant type: single nucleotide variant.
Coding change: c.1156C>T on transcript NM_015662.3 (MANE Select); coding-DNA position 1156, C replaced by T.
Protein change: p.Arg386Trp; replaces arginine 386 with tryptophan.
Molecular consequence: missense variant.
Genome position (GRCh38, 1-based): chr2:27,478,006, G>A on the plus strand (C>T on the coding strand, the complement: IFT172 is on the minus strand). VCF-style: chr2-27478006-G-A. GRCh37 (hg19) VCF-style: chr2-27700873-G-A.
Other names: short protein forms R386W.
Identifiers: ClinVar variation 916721 (VCV000916721.11), dbSNP rs1668091920, ClinGen allele CA346394835.

ClinVar aggregate classification (germline): Uncertain significance. Review status: criteria provided, multiple submitters, no conflicts (2 of 4 stars). 4 submissions from 4 submitters: Uncertain significance (4). Last evaluated 2023-08-07.

Conditions:
Short-rib thoracic dysplasia 10 with or without polydactyly (SRTD10). Identifiers: Orphanet 474, MedGen C3810175, MONDO:0014284, OMIM 615630.
Retinitis pigmentosa 71 (RP71). Identifiers: Orphanet 791, MedGen C4225342, MONDO:0014618, OMIM 616394.

Allele frequency attached by ClinVar (database versions not stated): gnomAD exomes below 0.00001.
gnomAD v4.1: 1 of 1,614,058 alleles (0.000062%); highest among the groups gnomAD compares: East Asian, 0.0022%; no homozygotes.

Submissions (4):

Blueprint Genetics
Classification: Uncertain significance. Last evaluated: 2023-08-07. Review status: criteria provided, single submitter. Criteria: ACMG Guidelines, 2015. Collection method: clinical testing. Allele origin: germline.

Labcorp Genetics (formerly Invitae), Labcorp
Classification: Uncertain significance for Retinitis pigmentosa 71; Short-rib thoracic dysplasia 10 with or without polydactyly. Last evaluated: 2022-04-12. Review status: criteria provided, single submitter. Criteria: Invitae Variant Classification Sherloc (09022015). Collection method: clinical testing. Allele origin: germline.
Comment: This sequence change replaces arginine, which is basic and polar, with tryptophan, which is neutral and slightly polar, at codon 386 of the IFT172 protein (p.Arg386Trp). This variant is not present in population databases (gnomAD no frequency). This missense change has been observed in individual(s) with retinitis pigmentosa (PMID: 32783370). ClinVar contains an entry for this variant (Variation ID: 916721). Algorithms developed to predict the effect of missense changes on protein structure and function are either unavailable or do not agree on the potential impact of this missense change (SIFT: "Deleterious"; PolyPhen-2: "Possibly Damaging"; Align-GVGD: "Class C0"). In summary, the available evidence is currently insufficient to determine the role of this variant in disease. Therefore, it has been classified as a Variant of Uncertain Significance.

Ocular Genomics Institute, Massachusetts Eye and Ear
Classification: Uncertain significance for Retinitis pigmentosa 71. Last evaluated: 2021-04-08. Review status: criteria provided, single submitter. Criteria: ACMG Guidelines, 2015. Collection method: research. Allele origin: germline. Affected: yes.
Comment: Through a review of available evidence we were able to apply the following criteria: PM2. Based on this evidence we have classified this variant as Variant of Uncertain Significance.

Moosajee Lab, UCL Institute of Ophthalmology
Classification: Uncertain significance for Retinitis pigmentosa 71. Review status: criteria provided, single submitter. Criteria: ACMG Guidelines, 2015. Collection method: clinical testing. Allele origin: inherited. Affected: yes. Observed: 2 homozygotes. Segregation with disease observed.

Literature cited by the submitters: PubMed 32783370 (cited by Labcorp Genetics (formerly Invitae), Labcorp).